The following is an entry in ClinVar:

NM_001080449.3(DNA2):c.2967+70G>A

Gene: DNA2 (DNA replication helicase/nuclease 2; minus strand). Cytogenetic location: 10q21.3.
Variant type: single nucleotide variant.
Coding change: c.2967+70G>A on transcript NM_001080449.3 (MANE Select); 70 bases into the intron after coding-DNA position 2967, G replaced by A.
Molecular consequence: intron variant.
Genome position (GRCh38, 1-based): chr10:68,418,964, C>T on the plus strand (G>A on the coding strand, the complement: DNA2 is on the minus strand). VCF-style: chr10-68418964-C-T. GRCh37 (hg19) VCF-style: chr10-70178721-C-T.
Identifiers: ClinVar variation 676208 (VCV000676208.2), dbSNP rs141948096, ClinGen allele CA208191739.
Genomic context (GRCh38, chr10:68,418,964, plus strand): 5'-CTCAGGTGATCCACCCGCCTTGGCCTCCCAGGGGGCTGGGATTACAGGTGTGAGCCACCG[C>T]GCCCGGCCCACAATTTTTAAAGAGAGAGAAATGCCCCAAATGAATCAGTAGCAAACACAA-3'

ClinVar aggregate classification (germline): Benign. Review status: criteria provided, multiple submitters, no conflicts (2 of 4 stars). 2 submissions from 2 submitters: Benign (2). Last evaluated 2018-06-16.

Allele frequency attached by ClinVar (database versions not stated): gnomAD exomes 0.00257; 1000 Genomes Project 0.02696; 1000 Genomes Project 30x 0.02936; gnomAD 0.02938 and 0.03178; TOPMed 0.03377.
gnomAD v4.1: 7,965 of 1,435,660 alleles (0.55%); highest among the groups gnomAD compares: African/African-American, 10%; 357 homozygotes.

Submissions (2):

GeneDx
Classification: Benign. Last evaluated: 2018-06-16. Review status: criteria provided, single submitter. Criteria: GeneDx Variant Classification (06012015). Collection method: clinical testing. Allele origin: germline. Affected: yes.
Comment: This variant is considered likely benign or benign based on one or more of the following criteria: it is a conservative change, it occurs at a poorly conserved position in the protein, it is predicted to be benign by multiple in silico algorithms, and/or has population frequency not consistent with disease.

Breakthrough Genomics
Classification: Benign. Review status: criteria provided, single submitter. Criteria: ACMG Guidelines, 2015. Collection method: not provided. Allele origin: germline. Inheritance: Autosomal recessive inheritance. Affected: yes.